The following is an entry in ClinVar:

NM_005732.4(RAD50):c.2372A>C (p.Asp791Ala)

Gene: RAD50 (RAD50 double strand break repair protein; plus strand). Cytogenetic location: 5q31.1.
Variant type: single nucleotide variant.
Coding change: c.2372A>C on transcript NM_005732.4 (MANE Select); coding-DNA position 2372, A replaced by C.
Protein change: p.Asp791Ala; replaces aspartic acid 791 with alanine.
Molecular consequence: missense variant.
Genome position (GRCh38, 1-based): chr5:132,603,464, A>C. VCF-style: chr5-132603464-A-C. GRCh37 (hg19) VCF-style: chr5-131939156-A-C.
Other names: short protein forms D791A.
Identifiers: ClinVar variation 457405 (VCV000457405.10), dbSNP rs758031764, ClinGen allele CA3405374.

ClinVar aggregate classification (germline): Uncertain significance. Review status: criteria provided, multiple submitters, no conflicts (2 of 4 stars). 2 submissions from 2 submitters: Uncertain significance (2). Last evaluated 2023-09-17.

Conditions:
Hereditary cancer-predisposing syndrome. Also called: Neoplastic Syndromes, Hereditary; Tumor predisposition; Hereditary Cancer Syndrome; Hereditary neoplastic syndrome. Identifiers: Orphanet 140162, MedGen C0027672, MeSH D009386, MONDO:0015356.

Allele frequency attached by ClinVar (database versions not stated): gnomAD exomes below 0.00001; ExAC 0.00001.
gnomAD v4.1: 2 of 1,613,940 alleles (0.00012%); highest among the groups gnomAD compares: South Asian, 0.0011%; no homozygotes.

Submissions (2):

Labcorp Genetics (formerly Invitae), Labcorp
Classification: Uncertain significance for Hereditary cancer-predisposing syndrome. Last evaluated: 2023-09-17. Review status: criteria provided, single submitter. Criteria: Invitae Variant Classification Sherloc (09022015). Collection method: clinical testing. Allele origin: germline.
Comment: This variant has not been reported in the literature in individuals affected with RAD50-related conditions. ClinVar contains an entry for this variant (Variation ID: 457405). Advanced modeling of protein sequence and biophysical properties (such as structural, functional, and spatial information, amino acid conservation, physicochemical variation, residue mobility, and thermodynamic stability) has been performed at Invitae for this missense variant, however the output from this modeling did not meet the statistical confidence thresholds required to predict the impact of this variant on RAD50 protein function. In summary, the available evidence is currently insufficient to determine the role of this variant in disease. Therefore, it has been classified as a Variant of Uncertain Significance. This variant is present in population databases (rs758031764, gnomAD 0.003%). This sequence change replaces aspartic acid, which is acidic and polar, with alanine, which is neutral and non-polar, at codon 791 of the RAD50 protein (p.Asp791Ala).

Ambry Genetics
Classification: Uncertain significance for Hereditary cancer-predisposing syndrome. Last evaluated: 2023-01-09. Review status: criteria provided, single submitter. Criteria: Ambry Variant Classification Scheme 2023. Collection method: clinical testing. Allele origin: germline.
Comment: The p.D791A variant (also known as c.2372A>C), located in coding exon 14 of the RAD50 gene, results from an A to C substitution at nucleotide position 2372. The aspartic acid at codon 791 is replaced by alanine, an amino acid with dissimilar properties. This amino acid position is conserved. In addition, this alteration is predicted to be deleterious by in silico analysis. Since supporting evidence is limited at this time, the clinical significance of this alteration remains unclear.